The following is an entry in ClinVar:

ClinVar aggregate classification (germline): Likely benign. Review status: criteria provided, multiple submitters, no conflicts (2 of 4 stars). 3 submissions from 3 submitters: Likely benign (3). Last evaluated 2025-12-13.

Conditions:
Diffuse cerebral and cerebellar atrophy - intractable seizures - progressive microcephaly syndrome. Also called: Microcephaly, progressive, with seizures and cerebral and cerebellar atrophy. Identifiers: Orphanet 404437, MedGen C4014239, MONDO:0014335, OMIM 615760.

Allele frequency attached by ClinVar (database versions not stated): gnomAD exomes 0.00005; ExAC 0.00007; gnomAD 0.00019 and 0.00021; TOPMed 0.00030; ESP Exome Variant Server 0.00038.

Submissions (3):

Labcorp Genetics (formerly Invitae), Labcorp
Classification: Likely benign for Diffuse cerebral and cerebellar atrophy - intractable seizures - progressive microcephaly syndrome. Last evaluated: 2025-12-13. Review status: criteria provided, single submitter. Criteria: Invitae Variant Classification Sherloc (09022015). Collection method: clinical testing. Allele origin: germline.

Blueprint Genetics
Classification: Likely benign. Last evaluated: 2023-03-06. Review status: criteria provided, single submitter. Criteria: ACMG Guidelines, 2015. Collection method: clinical testing. Allele origin: germline.

GeneDx
Classification: Likely benign. Last evaluated: 2016-04-04. Review status: criteria provided, single submitter. Criteria: GeneDx Variant Classification (06012015). Collection method: clinical testing. Allele origin: germline. Affected: yes.
Comment: This variant is considered likely benign or benign based on one or more of the following criteria: it is a conservative change, it occurs at a poorly conserved position in the protein, it is predicted to be benign by multiple in silico algorithms, and/or has population frequency not consistent with disease.

NM_005051.3(QARS1):c.1527-18C>T

Gene: QARS1 (glutaminyl-tRNA synthetase 1; minus strand). Cytogenetic location: 3p21.31.
Variant type: single nucleotide variant.
Coding change: c.1527-18C>T on transcript NM_005051.3 (MANE Select); 18 bases into the intron before coding-DNA position 1527, C replaced by T.
Molecular consequence: intron variant.
Genome position (GRCh38, 1-based): chr3:49,099,449, G>A on the plus strand (C>T on the coding strand, the complement: QARS1 is on the minus strand). VCF-style: chr3-49099449-G-A. GRCh37 (hg19) VCF-style: chr3-49136882-G-A.
Other names: c.1494-18C>T (NM_001272073.2).
Identifiers: ClinVar variation 385082 (VCV000385082.10), dbSNP rs374752377, ClinGen allele CA2391716.
Genomic context (GRCh38, chr3:49,099,449, plus strand): 5'-TCGCAGGGCCGTGAGTGTAAAGAGCCGTGGGTCATCCCAGTCCCTGTGGATAAGAAGGTG[G>A]TGAGAAGGCCTTTGGGAGCATATGCCATTAACCTTTCATAAGCCAAACAGCCGCACCTAC-3'